The following is an entry in ClinVar:

ClinVar aggregate classification (germline): Pathogenic/Likely pathogenic. Review status: criteria provided, multiple submitters, no conflicts (2 of 4 stars). 9 submissions from 9 submitters: Pathogenic (6); Likely pathogenic (2). 1 of the submissions does not count toward it. Last evaluated 2025-11-03.

Conditions:
Inherited MMR deficiency (Lynch syndrome).
Mismatch repair cancer syndrome 4. Identifiers: MedGen C5436817, MONDO:0030843, OMIM 619101.
Lynch syndrome 4 (LYNCH4). Also called: Hereditary non-polyposis colorectal cancer, type 4; Colorectal cancer, hereditary nonpolyposis, type 4. Identifiers: Orphanet 144, MedGen C1838333, MONDO:0013699, OMIM 614337. Disease mechanism: loss of function.
Hereditary nonpolyposis colon cancer (HNPCC). Also called: Hereditary Nonpolyposis Colorectal Cancer Syndrome; Hereditary nonpolyposis colorectal cancer; Familial nonpolyposis colon cancer. Identifiers: Orphanet 443909, MedGen C1333990, MONDO:0018630. Disease mechanism: loss of function.
Hereditary nonpolyposis colorectal neoplasms. Identifiers: MedGen C0009405, MeSH D003123.
Hereditary cancer-predisposing syndrome. Also called: Hereditary neoplastic syndrome; Tumor predisposition; Hereditary Cancer Syndrome; Neoplastic Syndromes, Hereditary. Identifiers: Orphanet 140162, MedGen C0027672, MeSH D009386, MONDO:0015356.
Carcinoma of colon (CRC). Also called: Colonic carcinoma; Colon carcinoma. Identifiers: MedGen C0699790, MONDO:0002032.

Submissions (9):

Color Diagnostics, LLC DBA Color Health
Classification: Pathogenic for Hereditary cancer-predisposing syndrome. Last evaluated: 2025-11-03. Review status: criteria provided, single submitter. Criteria: ACMG Guidelines, 2015. Collection method: clinical testing. Allele origin: germline.
Comment: This variant results in the replacement of two nucleotides in exon 15 of the PMS2 gene with one new nucleotide, creating a frameshift at codon 834 in a predicated truncated protein. While this variant is not expected to trigger nonsense-mediated decay, a truncated C-terminal polypeptide (lacking a.a. 826-850) has previously been shown to lack binding to MLH1 (PMID: 10037723) and single missense mutations in codons 843, 845 and 847 have been shown to disrupt DNA mismatch repair in vitro (PMID: 18619468). This variant is expected to result in a non-functional protein product. This variant has been reported in multiple individuals affected with Lynch syndrome-associated cancer or suspected of Lynch syndrome (PMID: 23012243, 25856668, 28514183, 30322717, 32885271ClinVar SCV000184533.8). Moreover, further C-terminal truncation at codon 836 and a frameshift at codon 841 have been observed in an individual suspected of Lynch syndrome (PMID: 28514183) and individuals affected with biallelic constitutional mismatch repair deficiency syndrome (PMID: 26116798, 30764633), respectively. This variant has not been identified in the general population by the Genome Aggregation Database (gnomAD). Based on the available evidence, this variant is classified as Pathogenic.

Genetics Laboratory, Great Ormond Street Hospital NHS Foundation Trust, North Thames Genomic Laboratory Hub
Classification: Likely pathogenic for Inherited MMR deficiency (Lynch syndrome). Last evaluated: 2025-10-14. Review status: criteria provided, single submitter. Criteria: CanVIG MMR Gene Specific V1.7. Collection method: clinical testing. Allele origin: germline. Affected: yes.
Comment: PM2_moderate, PVS1_moderate, PP4_moderate

Ambry Genetics
Classification: Pathogenic for Hereditary cancer-predisposing syndrome. Last evaluated: 2025-02-19. Review status: criteria provided, single submitter. Criteria: Ambry Variant Classification Scheme 2023. Collection method: clinical testing. Allele origin: germline.
Comment: The c.2500_2501delATinsG pathogenic mutation, located in coding exon 15 of the PMS2 gene, results from the deletion of two nucleotides and insertion of one nucleotide causing a translational frameshift with a predicted alternate stop codon (p.M834Gfs*17). This alteration occurs at the 3' terminus of thePMS2 gene, is not expected to trigger nonsense-mediated mRNA decay, and only impacts the last 29 amino acids of the protein. However, premature stop codons are typically deleterious in nature and the impacted region is critical for protein function (Ambry internal data). This mutation has been reported in individuals with hereditary non-polyposis colorectal cancer (HNPCC)/Lynch syndrome, including multiple probands whose Lynch syndrome-associated tumors demonstrated loss of PMS2 expression by immunohistochemistry (Espenschied CR et al. J Clin Oncol, 2017 Aug;35:2568-2575; Carter NJ et al. Gynecol Oncol, 2018 12;151:481-488; Roberts ME et al. Genet Med, 2018 10;20:1167-1174; Lerner-Ellis J et al. J Cancer Res Clin Oncol, 2021 Mar;147:871-879; Ambry internal data). This variant is considered to be rare based on population cohorts in the Genome Aggregation Database (gnomAD). Based on the supporting evidence, this alteration is interpreted as a disease-causing mutation.

Labcorp Genetics (formerly Invitae), Labcorp
Classification: Pathogenic for Hereditary nonpolyposis colorectal neoplasms. Last evaluated: 2025-01-23. Review status: criteria provided, single submitter. Criteria: Invitae Variant Classification Sherloc (09022015). Collection method: clinical testing. Allele origin: germline.
Comment: This sequence change creates a premature translational stop signal (p.Met834Glyfs*17) in the PMS2 gene. While this is not anticipated to result in nonsense mediated decay, it is expected to disrupt the last 29 amino acid(s) of the PMS2 protein. The frequency data for this variant in the population databases (gnomAD) is considered unreliable due to the presence of homologous sequence, such as pseudogenes or paralogs, in the genome. This premature translational stop signal has been observed in individual(s) with clinical features of constitutional mismatch repair deficiency syndrome (CMMR-D) and/or clinical features of Lynch syndrome (PMID: 23012243, 25856668, 28514183, 30322717; Scientific presentation). In at least one individual the data is consistent with being in trans (on the opposite chromosome) from a pathogenic variant. Invitae Evidence Modeling of clinical and family history, age, sex, and reported ancestry of multiple individuals with this PMS2 variant has been performed. This variant is expected to be pathogenic with a positive predictive value of at least 99%. This is a validated machine learning model that incorporates the clinical features of 1,370,736 individuals referred to our laboratory for PMS2 testing. ClinVar contains an entry for this variant (Variation ID: 141280). This variant disrupts the MLH1 interaction domain of the PMS2 protein, which has been shown to be critical for PMS2-MLH1 dimerization (PMID: 10037723), and therefore mismatch repair activity (PMID: 16338176, 20533529). While functional studies have not been performed to directly test the effect of this variant on PMS2 protein function, this suggests that disruption of this region of the protein is causative of disease. For these reasons, this variant has been classified as Pathogenic.

Women's Health and Genetics/Laboratory Corporation of America, LabCorp
Classification: Pathogenic for Hereditary nonpolyposis colon cancer. Last evaluated: 2024-12-26. Review status: criteria provided, single submitter. Criteria: LabCorp Variant Classification Summary - May 2015. Collection method: clinical testing. Allele origin: germline.
Comment: Variant summary: PMS2 c.2500_2501delinsG (p.Met834GlyfsX17) results in a premature termination codon, predicted to cause a truncation of the encoded protein, however, nonsense mediated decay is not expected to occur. At least one truncation downstream of this position has been classified as pathogenic by our laboratory. The variant was absent in 145224 control chromosomes. c.2500_2501delinsG has been reported in the literature in individuals affected with Lynch Syndrome and associated cancers (e.g. Carter_2018, Espenschied_2017, Goodenberger_2015, LaDuca_2017). These data indicate that the variant is likely to be associated with disease. To our knowledge, no experimental evidence demonstrating an impact on protein function has been reported. The following publications have been ascertained in the context of this evaluation (PMID: 25856668, 28152038, 28514183, 30322717). ClinVar contains an entry for this variant (Variation ID: 141280). Based on the evidence outlined above, the variant was classified as pathogenic.

Quest Diagnostics Nichols Institute San Juan Capistrano
Classification: Pathogenic. Last evaluated: 2024-08-01. Review status: criteria provided, single submitter. Criteria: Quest Diagnostics criteria. Collection method: clinical testing. Allele origin: unknown.
Comment: The PMS2 c.2500_2501delinsG (p.Met834Glyfs*17) variant alters the translational reading frame of the PMS2 mRNA and causes the premature termination of PMS2 protein synthesis. This variant has been reported in the published literature in individuals affected with Lynch syndrome-related cancers (PMID: 25856668 (2015), 23012243 (2013)). This variant has not been reported in large, multi-ethnic general populations (Genome Aggregation Database). Based on the available information, this variant is classified as pathogenic.

Fulgent Genetics
Classification: Likely pathogenic for Lynch syndrome 4; Mismatch repair cancer syndrome 4. Last evaluated: 2024-06-22. Review status: criteria provided, single submitter. Criteria: ACMG Guidelines, 2015. Collection method: clinical testing. Allele origin: germline.

Myriad Genetics, Inc.
Classification: Pathogenic for Lynch syndrome 4. Last evaluated: 2023-09-25. Review status: criteria provided, single submitter. Criteria: Myriad Autosomal Dominant, Autosomal Recessive and X-Linked Classification Criteria (2023). Collection method: clinical testing. Allele origin: unknown.
Comment: This variant is considered pathogenic. This variant creates a frameshift predicted to result in premature protein truncation.

Department of Pathology and Laboratory Medicine, Sinai Health System
Classification: Pathogenic for Carcinoma of colon. Review status: no assertion criteria provided. Collection method: clinical testing. Allele origin: unknown. Affected: yes. Study: The Canadian Open Genetics Repository (COGR). Not counted in ClinVar's aggregate classification.
Comment: The PMS2 p.Met834Glyfs*17 variant was identified in 3 of 69960 proband chromosomes (frequency: 0.00004) from individuals or families with Lynch Syndrome (Espenschied 2017). The variant was also identified in ClinVar (classified as pathogenic by Ambry Genetics, Invitae), Clinvitae (classified as pathogenic by ClinVar), Insight Hereditary Tumors Database, databases. The variant was not identified in dbSNP, Insight Colon Cancer Gene Variant Database, Zhejiang Colon Cancer Database, Mismatch Repair Genes Variant Database, databases. The variant was not identified in the 1000 Genomes Project, the NHLBI GO Exome Sequencing Project or the Exome Aggregation Consortium (August 8th 2016) control databases. The c.2500_2501delinsG variant is predicted to cause a frameshift, which alters the protein's amino acid sequence beginning at codon 834 and leads to a premature stop codon at position 850. This alteration is then predicted to result in a truncated or absent protein and loss of function. Loss of function variants of the PMS2 gene are an established mechanism of disease in Lynch Syndrome and is the type of variant expected to cause the disorder. In summary, based on the above information, this variant meets our laboratoryâ€šÃ„Ã´s criteria to be classified as pathogenic.

Literature cited by the submitters: PubMed 10037723 (cited by 3 submitters); PubMed 18619468 (cited by Color Diagnostics, LLC DBA Color Health and Quest Diagnostics Nichols Institute San Juan Capistrano); PubMed 23012243 (cited by 3 submitters); PubMed 25856668 (cited by 4 submitters); PubMed 26116798 (cited by Color Diagnostics, LLC DBA Color Health); PubMed 28514183 (cited by 4 submitters); PubMed 30322717 (cited by 4 submitters); PubMed 30764633 (cited by Color Diagnostics, LLC DBA Color Health); PubMed 32885271 (cited by Color Diagnostics, LLC DBA Color Health and Ambry Genetics); PubMed 29345684 (cited by Ambry Genetics); PubMed 16338176 (cited by Labcorp Genetics (formerly Invitae), Labcorp and Quest Diagnostics Nichols Institute San Juan Capistrano); PubMed 20533529 (cited by Labcorp Genetics (formerly Invitae), Labcorp and Quest Diagnostics Nichols Institute San Juan Capistrano); PubMed 28152038 (cited by Women's Health and Genetics/Laboratory Corporation of America, LabCorp and Quest Diagnostics Nichols Institute San Juan Capistrano).

NM_000535.7(PMS2):c.2500_2501delinsG (p.Met834fs)

Gene: PMS2 (PMS1 homolog 2, mismatch repair system component; minus strand). Cytogenetic location: 7p22.1.
Variant type: Indel.
Coding change: c.2500_2501delinsG on transcript NM_000535.7 (MANE Select); coding-DNA positions 2500 to 2501, AT replaced by G.
Protein change: p.Met834fs; shifts the reading frame from methionine 834.
Molecular consequence: frameshift variant. On other transcripts: non-coding transcript variant (1).
Genome position (GRCh38, 1-based): chr7:5,973,487-5,973,488, AT replaced by C on the plus strand (AT replaced by G on the coding strand, the reverse complement: PMS2 is on the minus strand). VCF-style: chr7-5973487-AT-C. GRCh37 (hg19) VCF-style: chr7-6013118-AT-C.
Other names: c.2095_2096delinsG, p.Met699fs (NM_001322003.2, NM_001322004.2, NM_001322005.2); c.2344_2345delinsG, p.Met782fs (NM_001322006.2); c.2182_2183delinsG, p.Met728fs (NM_001322007.2, NM_001322008.2); c.2128_2129delinsG, p.Met710fs (NM_001322009.2); c.1939_1940delinsG, p.Met647fs (NM_001322010.2); c.1567_1568delinsG, p.Met523fs (NM_001322011.2, NM_001322012.2); c.1927_1928delinsG, p.Met643fs (NM_001322013.2); c.2533_2534delinsG, p.Met845fs (NM_001322014.2); and 1 more; short protein forms M710fs, M782fs, M845fs, M523fs, M643fs, M647fs, M728fs, M834fs.
Identifiers: ClinVar variation 141280 (VCV000141280.26), dbSNP rs587781626, ClinGen allele CA011585.
Genomic context (GRCh38, chr7:5,973,487, plus strand): 5'-GCGATGTGTCTCATGGTTGGCCTTCCATGGGGACAGTTCCAGGGGTGGTCCATCTCCCCC[AT>C]GTGGGTGATCAGTTTCTTCATCTCGCTTGTGTTAAGAGCAGTCCCAATCATCACCTGAGT-3'